The following is an entry in ClinVar:

ClinVar aggregate classification (germline): Likely pathogenic (3 of 4 stars; one submission).

Conditions:
von Willebrand disease type 2N (VWD2N). Identifiers: Orphanet 166093, MedGen C1282975, MONDO:0015631.

Submission:

ClinGen von Willebrand Disease Variant Curation Expert Panel, ClinGen
Classification: Likely pathogenic for von Willebrand disease type 2N. Last evaluated: 2024-11-05. Review status: reviewed by expert panel. Criteria: ClinGen VWD 2N Rules. Collection method: curation. Allele origin: germline. Inheritance: Autosomal recessive inheritance.
Comment: The NM_000552.5:c.2637C>A variant in VWF is a missense variant predicted to cause substitution of aspartate by glutamate at amino acid 879 (p.Asp879Glu). At least 1 patient with this variant displayed excessive mucocutaneous bleeding as well as low FVIII activity and decreased VWF:FVIII binding, which is highly specific for VWD type 2N. (PP4_moderate, PMID 26988807). Additional consistent phenotypes were also reported in the patient including normal VWF:Ag, and normal HMW multimers. This variant has been detected in 1 individual with von Willebrand Disease type 2N. The individual is compound heterozygous for the variant and a pathogenic variant as determined by the ClinGen VWD VCEP, confirmed in trans by the authors (p.Arg854Gln) (PM3, PMID 26988807). This variant is absent from gnomAD v4.1 (PM2_Supporting). Another missense variant c.2635G>A, p.Asp879Asn (PMIDs 9845532, 34298581) in the same codon has been classified as pathogenic for VWD type 2N by the ClinGen VWD VCEP (PM5). Splicing prediction using SpliceAI revealed no expected effects on splicing due to any of these variants. In summary, this variant meets the criteria to be classified as a variant of likely pathogenic for von Willebrand Disease type 2N based on the ACMG/AMP criteria applied, as specified by the ClinGen VWD VCEP: PP4_Moderate, PM3, PM2_Supporting, and PM5. (ClinGen VWD VCEP, VWD type 2N rule specifications v1.0.0; date of approval)

NM_000552.5(VWF):c.2637C>A (p.Asp879Glu)

Gene: VWF (von Willebrand factor; minus strand). Cytogenetic location: 12p13.31.
Variant type: single nucleotide variant.
Coding change: c.2637C>A on transcript NM_000552.5 (MANE Select); coding-DNA position 2637, C replaced by A.
Protein change: p.Asp879Glu; replaces aspartic acid 879 with glutamic acid.
Molecular consequence: missense variant.
Genome position (GRCh38, 1-based): chr12:6,034,736, G>T on the plus strand (C>A on the coding strand, the complement: VWF is on the minus strand). VCF-style: chr12-6034736-G-T. GRCh37 (hg19) VCF-style: chr12-6143902-G-T.
Other names: NM_000552.5:c.2637C>A; short protein forms D879E.
Identifiers: ClinVar variation 3390365 (VCV003390365.1).